The following is an entry in ClinVar:

NM_002661.5(PLCG2):c.361A>C (p.Asn121His)

Gene: PLCG2 (phospholipase C gamma 2; plus strand). Cytogenetic location: 16q23.3.
Variant type: single nucleotide variant.
Coding change: c.361A>C on transcript NM_002661.5 (MANE Select); coding-DNA position 361, A replaced by C.
Protein change: p.Asn121His; replaces asparagine 121 with histidine.
Molecular consequence: missense variant.
Genome position (GRCh38, 1-based): chr16:81,858,286, A>C. VCF-style: chr16-81858286-A-C. GRCh37 (hg19) VCF-style: chr16-81891891-A-C.
Other names: short protein forms N121H.
Identifiers: ClinVar variation 946376 (VCV000946376.9), dbSNP rs775430573, ClinGen allele CA8193159.
Genomic context (GRCh38, chr16:81,858,286, plus strand): 5'-ATTAACACAGCATTTCTGTTCCCTTTCTCCACTCCAGCTGACTCTAAAGAGGATGCAGTT[A>C]ACTGGCTCTCTGGCTTGAAAATCTTACACCAGGAAGCGATGAATGCGTCCACGCCCACCA-3'
Protein context (NP_002652.2, residues 111-131): LAADSKEDAV[Asn121His]WLSGLKILHQ

ClinVar aggregate classification (germline): Uncertain significance (1 of 4 stars; one submission).

Conditions:
Familial cold autoinflammatory syndrome 3 (FCAS3). Also called: ANTIBODY DEFICIENCY AND IMMUNE DYSREGULATION, PLCG2-ASSOCIATED; FAMILIAL ATYPICAL COLD URTICARIA. Identifiers: Orphanet 300359, MedGen C3280914, MONDO:0013766, OMIM 614468.

Allele frequency attached by ClinVar (database versions not stated): gnomAD exomes below 0.00001 and 0.00001; ExAC 0.00001; TOPMed 0.00002.
gnomAD v4.1: 4 of 1,613,558 alleles (0.00025%); highest among the groups gnomAD compares: Admixed American, 0.0067%; no homozygotes.

Submission:

Labcorp Genetics (formerly Invitae), Labcorp
Classification: Uncertain significance for Familial cold autoinflammatory syndrome 3. Last evaluated: 2025-02-15. Review status: criteria provided, single submitter. Criteria: Invitae Variant Classification Sherloc (09022015). Collection method: clinical testing. Allele origin: germline.
Comment: This sequence change replaces asparagine, which is neutral and polar, with histidine, which is basic and polar, at codon 121 of the PLCG2 protein (p.Asn121His). This variant is present in population databases (rs775430573, gnomAD 0.009%). This variant has not been reported in the literature in individuals affected with PLCG2-related conditions. ClinVar contains an entry for this variant (Variation ID: 946376). An algorithm developed to predict the effect of missense changes on protein structure and function (PolyPhen-2) suggests that this variant is likely to be tolerated. In summary, the available evidence is currently insufficient to determine the role of this variant in disease. Therefore, it has been classified as a Variant of Uncertain Significance.